The following is an entry in ClinVar:

NM_001003841.3(SLC6A19):c.908C>T (p.Ser303Leu)

Gene: SLC6A19 (solute carrier family 6 member 19; plus strand). Cytogenetic location: 5p15.33.
Variant type: single nucleotide variant.
Coding change: c.908C>T on transcript NM_001003841.3 (MANE Select); coding-DNA position 908, C replaced by T.
Protein change: p.Ser303Leu; replaces serine 303 with leucine.
Molecular consequence: missense variant.
Genome position (GRCh38, 1-based): chr5:1,216,578, C>T. VCF-style: chr5-1216578-C-T. GRCh37 (hg19) VCF-style: chr5-1216693-C-T.
Other names: short protein forms S303L.
Identifiers: ClinVar variation 916043 (VCV000916043.7), dbSNP rs201212000, ClinGen allele CA3182952.

ClinVar aggregate classification (germline): Uncertain significance. Review status: criteria provided, multiple submitters, no conflicts (2 of 4 stars). 3 submissions from 3 submitters: Uncertain significance (2). 1 of the submissions does not count toward it. Last evaluated 2022-06-25.

Conditions:
Neutral 1 amino acid transport defect (HND). Also called: HARTNUP DISORDER; Hartnup disease. Identifiers: Orphanet 2116, MedGen C0018609, MONDO:0009324, OMIM 234500.

Allele frequency attached by ClinVar (database versions not stated): gnomAD exomes below 0.00001 and 0.00001; ExAC 0.00001; gnomAD 0.00001.
gnomAD v4.1: 15 of 1,614,048 alleles (0.00093%); highest among the groups gnomAD compares: Non-Finnish European, 0.0012%; no homozygotes.

Submissions (3):

Labcorp Genetics (formerly Invitae), Labcorp
Classification: Uncertain significance. Last evaluated: 2022-06-25. Review status: criteria provided, single submitter. Criteria: Invitae Variant Classification Sherloc (09022015). Collection method: clinical testing. Allele origin: germline.
Comment: Advanced modeling of protein sequence and biophysical properties (such as structural, functional, and spatial information, amino acid conservation, physicochemical variation, residue mobility, and thermodynamic stability) performed at Invitae indicates that this missense variant is not expected to disrupt SLC6A19 protein function. ClinVar contains an entry for this variant (Variation ID: 916043). This missense change has been observed in individual(s) with Hartnup disorder (PMID: 20399395). This variant is present in population databases (rs201212000, gnomAD 0.003%). This sequence change replaces serine, which is neutral and polar, with leucine, which is neutral and non-polar, at codon 303 of the SLC6A19 protein (p.Ser303Leu). In summary, the available evidence is currently insufficient to determine the role of this variant in disease. Therefore, it has been classified as a Variant of Uncertain Significance.

3billion
Classification: Uncertain significance for Neutral 1 amino acid transport defect. Last evaluated: 2022-03-22. Review status: criteria provided, single submitter. Criteria: ACMG Guidelines, 2015. Collection method: clinical testing. Allele origin: germline. Affected: yes. Observed: 1 homozygote.
Comment: Same nucleotide change resulting in same amino acid change has been previously reported to be associated with [GeneName] related disorder (ClinVar ID: VCV000916043, PMID:20399395). The variant is observed at an extremely low frequency in the gnomAD v2.1.1 dataset (total allele frequency: 0.0000079). In silico tool predictions suggest damaging effect of the variant on gene or gene product (REVEL: 0.692>=0.6). Therefore, this variant is classified as uncertain significance according to the recommendation of ACMG/AMP guideline.

OMIM
Classification: Pathogenic for HARTNUP DISORDER. Last evaluated: 2023-03-21. Review status: no assertion criteria provided. Collection method: literature only. Allele origin: germline. Not counted in ClinVar's aggregate classification.

Literature cited by the submitters: PubMed 20399395 (cited by 3 submitters).